The following is an entry in ClinVar:

NM_001127222.2(CACNA1A):c.6658_6659insACCACC (p.His2219_Pro2220insHisHis)

Gene: CACNA1A (calcium voltage-gated channel subunit alpha1 A; minus strand). Cytogenetic location: 19p13.13.
Variant type: Insertion.
Coding change: c.6658_6659insACCACC on transcript NM_001127222.2 (MANE Select); coding-DNA positions 6658 to 6659, ACCACC inserted.
Protein change: p.His2219_Pro2220insHisHis.
Molecular consequence: inframe insertion. On other transcripts: inframe indel (1).
Genome position: GRCh38 VCF-style: chr19-13208877-G-GGGTGGT. GRCh37 (hg19) VCF-style: chr19-13319691-G-GGGTGGT.
Other names: c.6676_6677insACCACC, p.His2225_Pro2226insHisHis (NM_000068.4, NM_023035.3); c.6661_6662insACCACC, p.His2220_Pro2221insHisHis (NM_001127221.2); c.6667_6668insACCACC, p.His2222_Pro2223insHisHis (NM_001174080.2); c.6661_6662insACCACC (NM_001127221.1).
Identifiers: ClinVar variation 1754740 (VCV001754740.8), dbSNP rs768950814, ClinGen allele CA9239301.

ClinVar aggregate classification (germline): Conflicting classifications of pathogenicity. Review status: criteria provided, conflicting classifications (1 of 4 stars). 3 submissions from 3 submitters: Uncertain significance (1); Likely benign (2). Last evaluated 2024-07-15.

Conditions:
Inborn genetic diseases. Identifiers: MedGen C0950123, MeSH D030342.
Episodic ataxia type 2 (EA2). Also called: ATAXIA, EPISODIC, WITH NYSTAGMUS; ATAXIA, FAMILIAL PAROXYSMAL; CEREBELLAR ATAXIA, PAROXYSMAL, ACETAZOLAMIDE-RESPONSIVE; CEREBELLOPATHY, HEREDITARY PAROXYSMAL; EPISODIC ATAXIA, NYSTAGMUS-ASSOCIATED; ACETAZOLAMIDE-RESPONSIVE HEREDITARY PAROXYSMAL CEREBELLAR ATAXIA. Identifiers: Orphanet 97, MedGen C1720416, MONDO:0007163, OMIM 108500.
Developmental and epileptic encephalopathy, 42 (DEE42A). Also called: DEVELOPMENTAL AND EPILEPTIC ENCEPHALOPATHY 42A; EPILEPTIC ENCEPHALOPATHY, EARLY INFANTILE, 42A; Epileptic encephalopathy, early infantile, 42. Identifiers: MedGen C4310716, MONDO:0014917, OMIM 617106.

Submissions (3):

Blueprint Genetics
Classification: Likely benign. Last evaluated: 2024-07-15. Review status: criteria provided, single submitter. Criteria: ACMG Guidelines, 2015. Collection method: clinical testing. Allele origin: germline.

Labcorp Genetics (formerly Invitae), Labcorp
Classification: Uncertain significance for Developmental and epileptic encephalopathy, 42; Episodic ataxia type 2. Last evaluated: 2020-03-10. Review status: criteria provided, single submitter. Criteria: Invitae Variant Classification Sherloc (09022015). Collection method: clinical testing. Allele origin: germline.
Comment: This variant, c.6661_6662insACCACC, results in the insertion of 2 amino acid(s) to the CACNA1A protein (p.His2219_His2220dup), but otherwise preserves the integrity of the reading frame. In summary, the available evidence is currently insufficient to determine the role of this variant in disease. Therefore, it has been classified as a Variant of Uncertain Significance. Experimental studies and prediction algorithms are not available or were not evaluated, and the functional significance of this variant is currently unknown. This variant has not been reported in the literature in individuals with CACNA1A-related conditions. While this variant is present in population databases (rs768950814), the frequency information is unreliable, as metrics indicate poor data quality at this position in the ExAC database.

Ambry Genetics
Classification: Likely benign for Inborn genetic diseases. Last evaluated: 2017-07-20. Review status: criteria provided, single submitter. Criteria: Ambry Variant Classification Scheme 2023. Collection method: clinical testing. Allele origin: germline.

Literature cited by the submitters: PubMed 24046065 (cited by Ambry Genetics).